The following is an entry in ClinVar:

NM_001365088.1(SLC12A6):c.275T>C (p.Leu92Pro)

Gene: SLC12A6 (solute carrier family 12 member 6; minus strand). Cytogenetic location: 15q14.
Variant type: single nucleotide variant.
Coding change: c.275T>C on transcript NM_001365088.1 (MANE Select); coding-DNA position 275, T replaced by C.
Protein change: p.Leu92Pro; replaces leucine 92 with proline.
Molecular consequence: missense variant. On other transcripts: intron variant (1).
Genome position (GRCh38, 1-based): chr15:34,275,386, A>G on the plus strand (T>C on the coding strand, the complement: SLC12A6 is on the minus strand). VCF-style: chr15-34275386-A-G. GRCh37 (hg19) VCF-style: chr15-34567587-A-G.
Other names: c.98T>C, p.Leu33Pro (NM_001042494.2, NM_001042495.2); c.248T>C, p.Leu83Pro (NM_001042496.2); c.122T>C, p.Leu41Pro (NM_005135.2); c.275T>C, p.Leu92Pro (NM_133647.2); c.272-14366T>C (NM_001042497.2); short protein forms L33P, L41P, L83P, L92P.
Identifiers: ClinVar variation 3384658 (VCV003384658.1).

ClinVar aggregate classification (germline): Uncertain significance (1 of 4 stars; one submission).

gnomAD v4.1: 3 of 1,509,084 alleles (0.0002%); highest among the groups gnomAD compares: Admixed American, 0.0033%; no homozygotes.

Submission:

GeneDx
Classification: Uncertain significance. Last evaluated: 2024-06-05. Review status: criteria provided, single submitter. Criteria: GeneDx Variant Classification Process June 2021. Collection method: clinical testing. Allele origin: germline. Affected: yes.
Comment: Not observed at significant frequency in large population cohorts (gnomAD); In silico analysis indicates that this missense variant does not alter protein structure/function; Has not been previously published as pathogenic or benign to our knowledge